The following is an entry in ClinVar:

NM_000070.3(CAPN3):c.1992+1G>A

Gene: CAPN3 (calpain 3; plus strand). Cytogenetic location: 15q15.1.
Variant type: single nucleotide variant.
Coding change: c.1992+1G>A on transcript NM_000070.3 (MANE Select); the canonical splice donor site of the intron after coding-DNA position 1992, G replaced by A.
Molecular consequence: splice donor variant.
Genome position (GRCh38, 1-based): chr15:42,409,381, G>A. VCF-style: chr15-42409381-G-A. GRCh37 (hg19) VCF-style: chr15-42701579-G-A.
Other names: c.1974+1G>A (NM_024344.2); c.1716+1G>A (NM_173087.2); c.456+1G>A (NM_173088.2); c.-4+1G>A (NM_173090.2, NM_173089.2).
Identifiers: ClinVar variation 2736184 (VCV002736184.3), dbSNP rs863224961, ClinGen allele CA392001305.

ClinVar aggregate classification (germline): Pathogenic (1 of 4 stars; one submission).

Conditions:
Autosomal recessive limb-girdle muscular dystrophy type 2A (LGMDR1). Also called: Calpainopathy; Muscular dystrophy, limb-girdle, type 2A, Amish; LEYDEN-MOEBIUS MUSCULAR DYSTROPHY; MUSCULAR DYSTROPHY, PELVOFEMORAL; Limb-girdle muscular dystrophy, type 2A. Identifiers: Orphanet 267, MedGen C1869123, MONDO:0009675, OMIM 253600. Disease mechanism: loss of function.

gnomAD v4.1: 1 of 1,613,882 alleles (0.000062%); highest among the groups gnomAD compares: African/African-American, 0.0013%; no homozygotes.

Submission:

Labcorp Genetics (formerly Invitae), Labcorp
Classification: Pathogenic for Autosomal recessive limb-girdle muscular dystrophy type 2A. Last evaluated: 2023-06-09. Review status: criteria provided, single submitter. Criteria: Invitae Variant Classification Sherloc (09022015). Collection method: clinical testing. Allele origin: germline.
Comment: For these reasons, this variant has been classified as Pathogenic. Studies have shown that disruption of this splice site is associated with altered splicing resulting in unknown protein product impact (PMID: 18563459, 20635405). Disruption of this splice site has been observed in individual(s) with autosomal recessive limb-girdle muscular dystrophy (PMID: 18563459, 32140910). This variant is not present in population databases (gnomAD no frequency). This sequence change affects a donor splice site in intron 17 of the CAPN3 gene. It is expected to disrupt RNA splicing. Variants that disrupt the donor or acceptor splice site typically lead to a loss of protein function (PMID: 16199547), and loss-of-function variants in CAPN3 are known to be pathogenic (PMID: 10330340, 15689361).

Literature cited by the submitters: PubMed 18563459; PubMed 20635405; PubMed 32140910; PubMed 16199547; PubMed 10330340; PubMed 15689361.